The following is an entry in ClinVar:

NM_002397.5(MEF2C):c.766C>T (p.Arg256Ter)

Gene: MEF2C (myocyte enhancer factor 2C; minus strand). Cytogenetic location: 5q14.3.
Variant type: single nucleotide variant.
Coding change: c.766C>T on transcript NM_002397.5 (MANE Select); coding-DNA position 766, C replaced by T.
Protein change: p.Arg256Ter; replaces arginine 256 with a stop codon.
Molecular consequence: nonsense.
Genome position (GRCh38, 1-based): chr5:88,731,773, G>A on the plus strand (C>T on the coding strand, the complement: MEF2C is on the minus strand). VCF-style: chr5-88731773-G-A. GRCh37 (hg19) VCF-style: chr5-88027590-G-A.
Other names: c.760C>T, p.Arg254Ter (NM_001131005.2, NM_001364352.2, NM_001364343.2); c.820C>T, p.Arg274Ter (NM_001193347.1, NM_001364338.2); c.622C>T, p.Arg208Ter (NM_001193348.1, NM_001193349.3, NM_001364332.2 and 3 more transcripts); c.766C>T, p.Arg256Ter (NM_001193350.2, NM_001308002.3, NM_001363581.2 and 18 more transcripts); c.388C>T, p.Arg130Ter (NM_001364353.2, NM_001364356.2); c.340C>T, p.Arg114Ter (NM_001364357.2); short protein forms R254*, R256*, R208*, R114*, R130*, R274*.
Identifiers: ClinVar variation 206134 (VCV000206134.12), dbSNP rs796052733, ClinGen allele CA315931.

ClinVar aggregate classification (germline): Pathogenic. Review status: criteria provided, multiple submitters, no conflicts (2 of 4 stars). 4 submissions from 4 submitters: Pathogenic (4). Last evaluated 2023-04-06.

Conditions:
5q14.3 microdeletion syndrome. Identifiers: Orphanet 228384, MedGen C4304529, MONDO:0016456.
Autism spectrum disorder. Also called: Autism spectrum disorders. Identifiers: MedGen C1510586, MeSH D000067877, MONDO:0005258.
Neurodevelopmental disorder with hypotonia, stereotypic hand movements, and impaired language. Also called: Intellectual disability, autosomal dominant 20. Identifiers: Orphanet 228384, Orphanet 664410, MedGen C3150700, MONDO:0013266, OMIM 613443.
Intellectual disability. Also called: Intellectual functioning disability; Intellectual developmental disorder; intellectual disabilities. Identifiers: MedGen C3714756, MeSH D008607, MONDO:0001071, HP:0001249.

Submissions (4):

Labcorp Genetics (formerly Invitae), Labcorp
Classification: Pathogenic for Neurodevelopmental disorder with hypotonia, stereotypic hand movements, and impaired language. Last evaluated: 2023-04-06. Review status: criteria provided, single submitter. Criteria: Invitae Variant Classification Sherloc (09022015). Collection method: clinical testing. Allele origin: germline.
Comment: This sequence change creates a premature translational stop signal (p.Arg256*) in the MEF2C gene. It is expected to result in an absent or disrupted protein product. Loss-of-function variants in MEF2C are known to be pathogenic (PMID: 20513142). This variant is not present in population databases (gnomAD no frequency). This premature translational stop signal has been observed in individual(s) with MEF2C-related conditions (PMID: 29720203, 30376817). ClinVar contains an entry for this variant (Variation ID: 206134). For these reasons, this variant has been classified as Pathogenic.

Dasa
Classification: Pathogenic for 5q14.3 microdeletion syndrome. Last evaluated: 2022-01-05. Review status: criteria provided, single submitter. Criteria: ACMG Guidelines, 2015. Collection method: clinical testing. Allele origin: germline. Affected: yes. Observed: 1 variant allele.
Comment: The c.766C>T;p.(Arg256*) variant creates a premature translational stop signal in the MEF2C gene. It is expected to result in an absent or disrupted protein product -PVS1. This sequence change has been observed in affected individual(s) and ClinVar contains an entry for this variant (ClinVar ID: 206134; PMID: 30376817; 29720203) - PS4. This variant is not present in population databases (rs796052733, gnomAD; ABraOM no frequency) - PM2. The variant was assumed de novo, but without confirmation of paternity and maternity (PMID: 30376817) - PM6. In summary, the currently available evidence indicates that the variant is pathogenic.

Diagnostic Laboratory, Strasbourg University Hospital
Classification: Pathogenic for Intellectual disability. Last evaluated: 2020-04-20. Review status: criteria provided, single submitter. Criteria: ACMG Guidelines, 2015. Collection method: clinical testing. Allele origin: de novo. Inheritance: Autosomal dominant inheritance. Affected: yes. Observed: 1 heterozygote.

Liping Wei Laboratory, Peking University
Classification: Pathogenic for Autism spectrum disorder. Last evaluated: 2018-08-01. Review status: criteria provided, single submitter. Criteria: Zhou et al. (Hum Mutat. 2019). Collection method: research. Allele origin: de novo. Affected: yes. Observed: 1 variant allele.

Literature cited by the submitters: PubMed 20513142 (cited by Labcorp Genetics (formerly Invitae), Labcorp); PubMed 29720203 (cited by Labcorp Genetics (formerly Invitae), Labcorp and Dasa); PubMed 30376817 (cited by Labcorp Genetics (formerly Invitae), Labcorp and Dasa).